The following is an entry in ClinVar:

ClinVar aggregate classification (germline): Pathogenic (1 of 4 stars; one submission).

Conditions:
Bainbridge-Ropers syndrome. Also called: Severe feeding difficulties-failure to thrive-microcephaly due to ASXL3 deficiency syndrome. Identifiers: Orphanet 352577, MedGen C4750837, MONDO:0014205, OMIM 615485.

Submission:

GeneDx
Classification: Pathogenic. Last evaluated: 2018-09-20. Review status: criteria provided, single submitter. Criteria: GeneDx Variant Classification (06012015). Collection method: clinical testing. Allele origin: germline. Affected: yes.
Comment: The c.4022_4023delTG pathogenic variant in the ASXL3 gene has not been reported previously as a pathogenic variant nor as a benign variant, to our knowledge. The c.4022_4023delTG variant causes a frameshift starting with codon Valine 1341, changes this amino acid to an Alanine residue, and creates a premature Stop codon at position 15 of the new reading frame, denoted p.Val1341AlafsX15. This variant is predicted to cause loss of normal protein function through protein truncation as the last 908 amino acids of the ASXL3 protein are lost and replaced with 14 incorrect amino acids. The c.4022_4023delTG variant was not observed in approximately 6200 individuals of European and African American ancestry in the NHLBI Exome Sequencing Project, indicating it is not a common benign variant in these populations. We interpret c.4022_4023delTG as a pathogenic variant

NM_030632.3(ASXL3):c.4022_4023del (p.Val1341fs)

Gene: ASXL3 (ASXL transcriptional regulator 3; plus strand). Cytogenetic location: 18q12.1.
Variant type: Microsatellite.
Coding change: c.4022_4023del on transcript NM_030632.3 (MANE Select); coding-DNA positions 4022 to 4023, 2 bases deleted (TG; older notation c.4022_4023delTG).
Protein change: p.Val1341fs; shifts the reading frame from valine 1341.
Molecular consequence: frameshift variant.
Genome position (GRCh38, 1-based): chr18:33,743,870-33,743,871, TG deleted; deleting any 2 consecutive bases within chr18:33,743,868-33,743,871 gives the same sequence; the c. name uses the placement nearest the transcript's 3' end. VCF-style (leftmost placement, unchanged base first): chr18-33743867-CTG-C. GRCh37 (hg19) VCF-style: chr18-31323831-CTG-C.
Other names: short protein forms V1341fs.
Identifiers: ClinVar variation 280684 (VCV000280684.4), dbSNP rs886041846, ClinGen allele CA10603619.